The following is an entry in ClinVar:

NM_032043.3(BRIP1):c.612C>A (p.Ser204=)

Gene: BRIP1 (BRCA1 interacting DNA helicase 1; minus strand). Cytogenetic location: 17q23.2.
Variant type: single nucleotide variant.
Coding change: c.612C>A on transcript NM_032043.3 (MANE Select); coding-DNA position 612, C replaced by A.
Protein change: p.Ser204=; no amino-acid change (serine 204 retained).
Molecular consequence: synonymous variant.
Genome position (GRCh38, 1-based): chr17:61,847,116, G>T on the plus strand (C>A on the coding strand, the complement: BRIP1 is on the minus strand). VCF-style: chr17-61847116-G-T. GRCh37 (hg19) VCF-style: chr17-59924477-G-T.
Identifiers: ClinVar variation 3378864 (VCV003378864.1).

ClinVar aggregate classification (germline): Benign (1 of 4 stars; one submission).

Conditions:
Familial cancer of breast. Also called: hereditary breast carcinoma; Hereditary breast cancer; BREAST CANCER, FAMILIAL. Identifiers: Orphanet 227535, MedGen C0346153, MONDO:0016419, OMIM 114480. Disease mechanism: loss of function.

Submission:

Myriad Genetics, Inc.
Classification: Benign for Familial cancer of breast. Last evaluated: 2024-08-21. Review status: criteria provided, single submitter. Criteria: Myriad Autosomal Dominant, Autosomal Recessive and X-Linked Classification Criteria (2023). Collection method: clinical testing. Allele origin: unknown.
Comment: This variant is considered benign. This variant is a silent/synonymous amino acid change and it is not expected to impact splicing.